The following is an entry in ClinVar:

NM_000722.4(CACNA2D1):c.1611A>G (p.Pro537=)

Gene: CACNA2D1 (calcium voltage-gated channel auxiliary subunit alpha2delta 1; minus strand). Cytogenetic location: 7q21.11.
Variant type: single nucleotide variant.
Coding change: c.1611A>G on transcript NM_000722.4 (MANE Select); coding-DNA position 1611, A replaced by G.
Protein change: p.Pro537=; no amino-acid change (proline 537 retained).
Molecular consequence: synonymous variant.
Genome position (GRCh38, 1-based): chr7:81,997,230, T>C on the plus strand (A>G on the coding strand, the complement: CACNA2D1 is on the minus strand). VCF-style: chr7-81997230-T-C. GRCh37 (hg19) VCF-style: chr7-81626546-T-C.
Other names: c.1611A>G (LRG_437t1); c.1668A>G, p.Pro556= (NM_001366867.1).
Identifiers: ClinVar variation 509921 (VCV000509921.14), dbSNP rs76594260, ClinGen allele CA4317965.

ClinVar aggregate classification (germline): Likely benign. Review status: criteria provided, multiple submitters, no conflicts (2 of 4 stars). 3 submissions from 3 submitters: Likely benign (3). Last evaluated 2024-09-14.

Conditions:
Cardiovascular phenotype. Identifiers: MedGen CN230736.
Brugada syndrome. Also called: Sudden unexpected nocturnal death syndrome; Sudden unexplained nocturnal death syndrome; Sudden Unexplained Death Syndrome; Sudden Unexplained Nocturnal Death Syndrome (SUNDS). Identifiers: Orphanet 130, MedGen C1142166, MONDO:0015263.

Allele frequency attached by ClinVar (database versions not stated): gnomAD 0.00004 and 0.00003; gnomAD exomes 0.00005 and 0.00004; 1000 Genomes Project 0.00020; 1000 Genomes Project 30x 0.00016; ExAC 0.00005; TOPMed 0.00008.
gnomAD v4.1: 55 of 1,605,116 alleles (0.0034%); highest among the groups gnomAD compares: Admixed American, 0.01%; no homozygotes.

Submissions (3):

Labcorp Genetics (formerly Invitae), Labcorp
Classification: Likely benign for Brugada syndrome. Last evaluated: 2024-09-14. Review status: criteria provided, single submitter. Criteria: Invitae Variant Classification Sherloc (09022015). Collection method: clinical testing. Allele origin: germline.

Ambry Genetics
Classification: Likely benign for Cardiovascular phenotype. Last evaluated: 2018-01-16. Review status: criteria provided, single submitter. Criteria: Ambry Variant Classification Scheme 2023. Collection method: clinical testing. Allele origin: germline.

GeneDx
Classification: Likely benign. Last evaluated: 2017-06-01. Review status: criteria provided, single submitter. Criteria: GeneDx Variant Classification (06012015). Collection method: clinical testing. Allele origin: germline. Affected: yes.
Comment: This variant is considered likely benign or benign based on one or more of the following criteria: it is a conservative change, it occurs at a poorly conserved position in the protein, it is predicted to be benign by multiple in silico algorithms, and/or has population frequency not consistent with disease.